The following is an entry in ClinVar:

NM_000051.4(ATM):c.2065T>A (p.Ser689Thr)

Gene: ATM (ATM serine/threonine kinase; plus strand). Cytogenetic location: 11q22.3.
Variant type: single nucleotide variant.
Coding change: c.2065T>A on transcript NM_000051.4 (MANE Select); coding-DNA position 2065, T replaced by A.
Protein change: p.Ser689Thr; replaces serine 689 with threonine.
Molecular consequence: missense variant.
Genome position (GRCh38, 1-based): chr11:108,253,980, T>A. VCF-style: chr11-108253980-T-A. GRCh37 (hg19) VCF-style: chr11-108124707-T-A.
Other names: c.2065T>A, p.Ser689Thr (NM_001351834.2); short protein forms S689T.
Identifiers: ClinVar variation 2453964 (VCV002453964.2), dbSNP rs2135370318, ClinGen allele CA382537499.

ClinVar aggregate classification (germline): Uncertain significance (1 of 4 stars; one submission).

Conditions:
Hereditary cancer-predisposing syndrome. Also called: Neoplastic Syndromes, Hereditary; Hereditary neoplastic syndrome; Tumor predisposition; Hereditary Cancer Syndrome. Identifiers: Orphanet 140162, MedGen C0027672, MeSH D009386, MONDO:0015356.

Submission:

Ambry Genetics
Classification: Uncertain significance for Hereditary cancer-predisposing syndrome. Last evaluated: 2023-01-19. Review status: criteria provided, single submitter. Criteria: Ambry Variant Classification Scheme 2023. Collection method: clinical testing. Allele origin: germline.
Comment: The p.S689T variant (also known as c.2065T>A), located in coding exon 12 of the ATM gene, results from a T to A substitution at nucleotide position 2065. The serine at codon 689 is replaced by threonine, an amino acid with similar properties. This amino acid position is conserved. In addition, this alteration is predicted to be tolerated by in silico analysis. Since supporting evidence is limited at this time, the clinical significance of this alteration remains unclear.